The following is an entry in ClinVar:

NM_000090.4(COL3A1):c.4102A>G (p.Ile1368Val)

Gene: COL3A1 (collagen type III alpha 1 chain; plus strand). Cytogenetic location: 2q32.2.
Variant type: single nucleotide variant.
Coding change: c.4102A>G on transcript NM_000090.4 (MANE Select); coding-DNA position 4102, A replaced by G.
Protein change: p.Ile1368Val; replaces isoleucine 1368 with valine.
Molecular consequence: missense variant.
Genome position (GRCh38, 1-based): chr2:189,010,738, A>G. VCF-style: chr2-189010738-A-G. GRCh37 (hg19) VCF-style: chr2-189875464-A-G.
Other names: short protein forms I1368V.
Identifiers: ClinVar variation 1504561 (VCV001504561.6), dbSNP rs2153504325, ClinGen allele CA349849388.
Genomic context (GRCh38, chr2:189,010,738, plus strand): 5'-GATGTCCTTGATGTGCATCTGGCATTCCTTCGACTTCTCTCCAGCCGAGCTTCCCAGAAC[A>G]TCACATATCACTGCAAAAATAGCATTGCATACATGGATCAGGCCAGTGGAAATGTAAAGA-3'
Protein context (NP_000081.2, residues 1358-1378): RLLSSRASQN[Ile1368Val]TYHCKNSIAY

ClinVar aggregate classification (germline): Uncertain significance (1 of 4 stars; one submission).

Conditions:
Ehlers-Danlos syndrome, type 4 (EDSVASC). Also called: Ehlers-Danlos syndrome vascular type; Ehlers Danlos syndrome, ecchymotic type; Ehlers Danlos syndrome, arterial type; Ehlers Danlos syndrome, Sack-Barabas type; Ehlers-Danlos Syndrome Type IV. Identifiers: Orphanet 286, MedGen C0268338, MONDO:0017314, OMIM 130050.

gnomAD v4.1: 1 of 1,614,172 alleles (0.000062%); highest among the groups gnomAD compares: Non-Finnish European, 0.000085%; no homozygotes.

Submission:

Labcorp Genetics (formerly Invitae), Labcorp
Classification: Uncertain significance for Ehlers-Danlos syndrome, type 4. Last evaluated: 2021-11-07. Review status: criteria provided, single submitter. Criteria: Invitae Variant Classification Sherloc (09022015). Collection method: clinical testing. Allele origin: germline.
Comment: This variant has not been reported in the literature in individuals affected with COL3A1-related conditions. Advanced modeling of protein sequence and biophysical properties (such as structural, functional, and spatial information, amino acid conservation, physicochemical variation, residue mobility, and thermodynamic stability) performed at Invitae indicates that this missense variant is not expected to disrupt COL3A1 protein function. In summary, the available evidence is currently insufficient to determine the role of this variant in disease. Therefore, it has been classified as a Variant of Uncertain Significance. This variant is not present in population databases (gnomAD no frequency). This sequence change replaces isoleucine, which is neutral and non-polar, with valine, which is neutral and non-polar, at codon 1368 of the COL3A1 protein (p.Ile1368Val).